The following is an entry in ClinVar:

NM_001134831.2(AHI1):c.1621G>T (p.Asp541Tyr)

Gene: AHI1 (Abelson helper integration site 1; minus strand). Cytogenetic location: 6q23.3.
Variant type: single nucleotide variant.
Coding change: c.1621G>T on transcript NM_001134831.2 (MANE Select); coding-DNA position 1621, G replaced by T.
Protein change: p.Asp541Tyr; replaces aspartic acid 541 with tyrosine.
Molecular consequence: missense variant.
Genome position (GRCh38, 1-based): chr6:135,448,295, C>A on the plus strand (G>T on the coding strand, the complement: AHI1 is on the minus strand). VCF-style: chr6-135448295-C-A. GRCh37 (hg19) VCF-style: chr6-135769433-C-A.
Other names: c.1621G>T, p.Asp541Tyr (NM_001134830.2, NM_001134832.2, NM_001350503.2 and 2 more transcripts); short protein forms D541Y.
Identifiers: ClinVar variation 1033851 (VCV001033851.1), dbSNP rs1787553528, ClinGen allele CA365745067.
Genomic context (GRCh38, chr6:135,448,295, plus strand): 5'-CACCATTTAATTTCAACACTAGATGATATACACTTAATATGTACTATTAACTTACACAGT[C>A]TGGAACTTTCAGTCCTCTTACAGTTACGTACAGTGTTGATGGGTAATGATTTCTTGGACA-3'
Protein context (NP_001128303.1, residues 531-551): YVTVRGLKVP[Asp541Tyr]CIKPSYRSMM

ClinVar aggregate classification (germline): Uncertain significance (1 of 4 stars; one submission).

Conditions:
Joubert syndrome 3 (JBTS3). Also called: AHI1-related Ciliopathy. Identifiers: Orphanet 220493, MedGen C1837713, MONDO:0012078, OMIM 608629.

Submission:

Baylor Genetics
Classification: Uncertain significance for Joubert syndrome 3. Last evaluated: 2018-09-07. Review status: criteria provided, single submitter. Criteria: ACMG Guidelines, 2015. Collection method: clinical testing. Allele origin: maternal. Affected: yes.
Comment: This variant was determined to be of uncertain significance according to ACMG Guidelines, 2015 [PMID:25741868].